The following is an entry in ClinVar:

ClinVar aggregate classification (germline): Uncertain significance. Review status: criteria provided, multiple submitters, no conflicts (2 of 4 stars). 3 submissions from 2 submitters: Uncertain significance (3). Last evaluated 2019-05-28.

Conditions:
Transitory neonatal diabetes mellitus. Also called: Transient neonatal diabetes mellitus. Identifiers: MedGen C0342273, MONDO:0020525, HP:0008255.
Hyperinsulinemic hypoglycemia, familial, 1 (HHF1). Also called: Persistent hyperinsulinemic hypoglycemia of infancy; HYPERINSULINISM, FAMILIAL, WITH PANCREATIC NESIDIOBLASTOSIS; HYPOGLYCEMIA, HYPERINSULINEMIC, OF INFANCY; NESIDIOBLASTOSIS OF PANCREAS; Persistent Hyperinsulinemia Hypoglycemia of Infancy. Identifiers: Orphanet 276575, Orphanet 276598, MedGen C2931832, MONDO:0009734, OMIM 256450.
Maturity-onset diabetes of the young (MODY). Also called: Maturity onset diabetes mellitus in young. Identifiers: Orphanet 552, MedGen C0342276, MONDO:0018911, HP:0004904.

Allele frequency attached by ClinVar (database versions not stated): gnomAD exomes 0.00001 and 0.00002; ExAC 0.00002; TOPMed 0.00002.
gnomAD v4.1: 24 of 1,614,002 alleles (0.0015%); highest among the groups gnomAD compares: South Asian, 0.0066%; no homozygotes.

Submissions (3):

Mendelics
Classification: Uncertain significance for Hyperinsulinemic hypoglycemia, familial, 1. Last evaluated: 2019-05-28. Review status: criteria provided, single submitter. Criteria: Mendelics Assertion Criteria 2017. Collection method: clinical testing. Allele origin: unknown.

Clinical Genomics, Uppaluri K&H Personalized Medicine Clinic
Classification: Uncertain significance for Transitory neonatal diabetes mellitus. Review status: criteria provided, single submitter. Criteria: K & H Uppaluri Personalized Medicine Clinic Variant Classification & Assertion Criteria_Updated V.1. Collection method: research. Allele origin: unknown. Inheritance: Somatic mutation.
Comment: Mutations in ABCC8 gene are associated with both neonatal diabetes mellitus as well as MODY. Patients with this mutation may have a better response to sulfonylureas. However, no sufficient evidence is found to ascertain the role of this particular variant (rs765529676) in neonatal diabetes yet.

Clinical Genomics, Uppaluri K&H Personalized Medicine Clinic
Classification: Uncertain significance for Maturity-onset diabetes of the young. Review status: criteria provided, single submitter. Criteria: K & H Uppaluri Personalized Medicine Clinic Variant Classification & Assertion Criteria_Updated V.1. Collection method: research. Allele origin: unknown. Inheritance: Somatic mutation.
Comment: Mutations in ABCC8 gene are associated with both neonatal diabetes mellitus as well as MODY. Patients with this mutation may have a better response to sulfonylureas. However, no sufficient evidence is found to ascertain the role of this particular variant (rs765529676) in MODY yet.

Literature cited by the submitters: PubMed 16885549 (cited by Clinical Genomics, Uppaluri K&H Personalized Medicine Clinic); PubMed 21989597 (cited by Clinical Genomics, Uppaluri K&H Personalized Medicine Clinic); PubMed 27538677 (cited by Clinical Genomics, Uppaluri K&H Personalized Medicine Clinic); PubMed 18981553 (cited by Clinical Genomics, Uppaluri K&H Personalized Medicine Clinic); PubMed 32027066 (cited by Clinical Genomics, Uppaluri K&H Personalized Medicine Clinic); PubMed 16613899 (cited by Clinical Genomics, Uppaluri K&H Personalized Medicine Clinic); PubMed 18025408 (cited by Clinical Genomics, Uppaluri K&H Personalized Medicine Clinic); PubMed 32792356 (cited by Clinical Genomics, Uppaluri K&H Personalized Medicine Clinic).

NM_000352.6(ABCC8):c.1337T>C (p.Ile446Thr)

Gene: ABCC8 (ATP binding cassette subfamily C member 8; minus strand). Cytogenetic location: 11p15.1.
Variant type: single nucleotide variant.
Coding change: c.1337T>C on transcript NM_000352.6 (MANE Select); coding-DNA position 1337, T replaced by C.
Protein change: p.Ile446Thr; replaces isoleucine 446 with threonine.
Molecular consequence: missense variant. On other transcripts: non-coding transcript variant (1).
Genome position (GRCh38, 1-based): chr11:17,443,308, A>G on the plus strand (T>C on the coding strand, the complement: ABCC8 is on the minus strand). VCF-style: chr11-17443308-A-G. GRCh37 (hg19) VCF-style: chr11-17464855-A-G.
Other names: c.1337T>C, p.Ile446Thr (NM_001287174.3, NM_001351295.2); c.1334T>C, p.Ile445Thr (NM_001351296.2, NM_001351297.2); short protein forms I445T, I446T.
Identifiers: ClinVar variation 802659 (VCV000802659.2), dbSNP rs765529676, ClinGen allele CA5903601.
Genomic context (GRCh38, chr11:17,443,308, plus strand): 5'-ACAGCTGCTCCAATTAAGGCACTGACTCCGAGTATGTAGTAGAGGAGAATCACACCCACA[A>G]TGATCTGAGGAAGGGGTCATGGGTCAGGTCCCTTTGACCTGATGGTTGCCCTGCCAGGAG-3'
Protein context (NP_000343.2, residues 436-456): PNLWAMPVQI[Ile446Thr]VGVILLYYIL